The following is an entry in ClinVar:

ClinVar aggregate classification (germline): Uncertain significance (1 of 4 stars; one submission).

Submission:

Labcorp Genetics (formerly Invitae), Labcorp
Classification: Uncertain significance. Last evaluated: 2020-02-22. Review status: criteria provided, single submitter. Criteria: Invitae Variant Classification Sherloc (09022015). Collection method: clinical testing. Allele origin: germline.
Comment: This variant is not present in population databases (ExAC no frequency). This variant has not been reported in the literature in individuals with GUCA1A-related conditions. Algorithms developed to predict the effect of missense changes on protein structure and function (SIFT, PolyPhen-2, Align-GVGD) all suggest that this variant is likely to be disruptive, but these predictions have not been confirmed by published functional studies and their clinical significance is uncertain. This variant disrupts the p.Asp102 amino acid residue in GUCA1A. Other variant(s) that disrupt this residue have been observed in individuals with GUCA1A-related conditions (PMID: 26992781, 28559085), which suggests that this may be a clinically significant amino acid residue. In summary, the available evidence is currently insufficient to determine the role of this variant in disease. Therefore, it has been classified as a Variant of Uncertain Significance. This sequence change replaces aspartate with valine at codon 102 of the GUCA1A protein (p.Asp102Val). The aspartate residue is highly conserved and there is a large physicochemical difference between aspartate and valine.

Literature cited by the submitters: PubMed 26992781; PubMed 28559085.

NM_001384910.1(GUCA1A):c.305A>T (p.Asp102Val)

Genes: GUCA1A (guanylate cyclase activator 1A; plus strand), GUCA1ANB-GUCA1A (GUCA1ANB-GUCA1A readthrough; plus strand). Cytogenetic location: 6p21.1.
Variant type: single nucleotide variant.
Coding change: c.305A>T on transcript NM_001384910.1 (MANE Select); coding-DNA position 305, A replaced by T.
Protein change: p.Asp102Val; replaces aspartic acid 102 with valine.
Molecular consequence: missense variant.
Genome position (GRCh38, 1-based): chr6:42,178,383, A>T. VCF-style: chr6-42178383-A-T. GRCh37 (hg19) VCF-style: chr6-42146121-A-T.
Other names: c.305A>T, p.Asp102Val (NM_000409.5, NM_001319061.2, NM_001319062.2); short protein forms D102V.
Identifiers: ClinVar variation 954660 (VCV000954660.8), dbSNP rs1768017284, ClinGen allele CA364109201.